The following is an entry in ClinVar:

NM_172364.5(CACNA2D4):c.1322G>A (p.Arg441His)

Gene: CACNA2D4 (calcium voltage-gated channel auxiliary subunit alpha2delta 4; minus strand). Cytogenetic location: 12p13.33.
Variant type: single nucleotide variant.
Coding change: c.1322G>A on transcript NM_172364.5 (MANE Select); coding-DNA position 1322, G replaced by A.
Protein change: p.Arg441His; replaces arginine 441 with histidine.
Molecular consequence: missense variant.
Genome position (GRCh38, 1-based): chr12:1,884,272, C>T on the plus strand (G>A on the coding strand, the complement: CACNA2D4 is on the minus strand). VCF-style: chr12-1884272-C-T. GRCh37 (hg19) VCF-style: chr12-1993438-C-T.
Other names: short protein forms R441H.
Identifiers: ClinVar variation 961271 (VCV000961271.10), dbSNP rs776428196, ClinGen allele CA6387186.

ClinVar aggregate classification (germline): Uncertain significance. Review status: criteria provided, multiple submitters, no conflicts (2 of 4 stars). 2 submissions from 2 submitters: Uncertain significance (2). Last evaluated 2024-10-31.

Allele frequency attached by ClinVar (database versions not stated): gnomAD 0.00001; gnomAD exomes 0.00001 and 0.00003; TOPMed 0.00002; ExAC 0.00004.
gnomAD v4.1: 14 of 1,612,204 alleles (0.00087%); highest among the groups gnomAD compares: South Asian, 0.0022%; no homozygotes.

Submissions (2):

Labcorp Genetics (formerly Invitae), Labcorp
Classification: Uncertain significance. Last evaluated: 2024-10-31. Review status: criteria provided, single submitter. Criteria: Invitae Variant Classification Sherloc (09022015). Collection method: clinical testing. Allele origin: germline.
Comment: This sequence change replaces arginine, which is basic and polar, with histidine, which is basic and polar, at codon 441 of the CACNA2D4 protein (p.Arg441His). This variant is present in population databases (rs776428196, gnomAD 0.01%). This variant has not been reported in the literature in individuals affected with CACNA2D4-related conditions. ClinVar contains an entry for this variant (Variation ID: 961271). An algorithm developed to predict the effect of missense changes on protein structure and function (PolyPhen-2) suggests that this variant is likely to be tolerated. In summary, the available evidence is currently insufficient to determine the role of this variant in disease. Therefore, it has been classified as a Variant of Uncertain Significance.

Blueprint Genetics
Classification: Uncertain significance. Last evaluated: 2023-05-23. Review status: criteria provided, single submitter. Criteria: ACMG Guidelines, 2015. Collection method: clinical testing. Allele origin: germline.